The following is an entry in ClinVar:

NM_000231.3(SGCG):c.718G>A (p.Glu240Lys)

Gene: SGCG (sarcoglycan gamma; plus strand). Cytogenetic location: 13q12.12.
Variant type: single nucleotide variant.
Coding change: c.718G>A on transcript NM_000231.3 (MANE Select); coding-DNA position 718, G replaced by A.
Protein change: p.Glu240Lys; replaces glutamic acid 240 with lysine.
Molecular consequence: missense variant.
Genome position (GRCh38, 1-based): chr13:23,324,383, G>A. VCF-style: chr13-23324383-G-A. GRCh37 (hg19) VCF-style: chr13-23898522-G-A.
Other names: c.772G>A, p.Glu258Lys (NM_001378244.1); c.718G>A, p.Glu240Lys (NM_001378245.1, NM_001378246.1); short protein forms E240K, E258K.
Identifiers: ClinVar variation 5003357 (VCV005003357.1).

ClinVar aggregate classification (germline): Uncertain significance (1 of 4 stars; one submission).

Conditions:
Autosomal recessive limb-girdle muscular dystrophy type 2C (LGMDR5). Also called: MUSCULAR DYSTROPHY, LIMB-GIRDLE, AUTOSOMAL RECESSIVE 5; MUSCULAR DYSTROPHY, DUCHENNE-LIKE. Identifiers: Orphanet 353, MedGen C0410173, MONDO:0009677, OMIM 253700. Disease mechanism: Affects gamma-sarcoglycan and also disrupts the integrity of the entire sarcoglycan complex..

gnomAD v4.1: 7 of 1,614,174 alleles (0.00043%); highest among the groups gnomAD compares: Middle Eastern, 0.033%; no homozygotes.

Submission:

Myriad Genetics, Inc.
Classification: Uncertain significance for Autosomal recessive limb-girdle muscular dystrophy type 2C. Last evaluated: 2026-05-04. Review status: criteria provided, single submitter. Criteria: Myriad Autosomal Dominant, Autosomal Recessive and X-Linked Classification Criteria (2023). Collection method: clinical testing. Allele origin: unknown.
Comment: NM_000231.2(SGCG):c.718G>A(E240K) is a missense variant classified as a variant of uncertain significance in the context of gamma-sarcoglycanopathy. E240K has been observed in a case with relevant disease (PMID: 39678382). Relevant functional assessments of this variant are not available in the literature. E240K has been observed in referenced population frequency databases. In summary, there is insufficient evidence to classify NM_000231.2(SGCG):c.718G>A(E240K) as pathogenic or benign. Please note: this variant was assessed in the context of healthy population screening.

Literature cited by the submitters: PubMed 39678382.